The following is an entry in ClinVar:

ClinVar aggregate classification (germline): Uncertain significance. Review status: criteria provided, multiple submitters, no conflicts (2 of 4 stars). 2 submissions from 2 submitters: Uncertain significance (2). Last evaluated 2023-06-24.

Conditions:
Severe combined immunodeficiency due to DNA-PKcs deficiency. Also called: IMMUNODEFICIENCY 26 WITH NEUROLOGIC ABNORMALITIES; Immunodeficiency 26 with or without neurologic abnormalities. Identifiers: Orphanet 317425, MedGen C4014833, MONDO:0014423, OMIM 615966.

Submissions (2):

Ambry Genetics
Classification: Uncertain significance. Last evaluated: 2023-06-24. Review status: criteria provided, single submitter. Criteria: Ambry Variant Classification Scheme 2023. Collection method: clinical testing. Allele origin: germline.
Comment: The p.F1194L variant (also known as c.3582C>G), located in coding exon 30 of the PRKDC gene, results from a C to G substitution at nucleotide position 3582. The phenylalanine at codon 1194 is replaced by leucine, an amino acid with highly similar properties. This amino acid position is conserved. In addition, this alteration is predicted to be tolerated by in silico analysis. Since supporting evidence is limited at this time, the clinical significance of this alteration remains unclear.

Labcorp Genetics (formerly Invitae), Labcorp
Classification: Uncertain significance for Severe combined immunodeficiency due to DNA-PKcs deficiency. Last evaluated: 2020-02-22. Review status: criteria provided, single submitter. Criteria: Invitae Variant Classification Sherloc (09022015). Collection method: clinical testing. Allele origin: germline.
Comment: In summary, the available evidence is currently insufficient to determine the role of this variant in disease. Therefore, it has been classified as a Variant of Uncertain Significance. This variant has not been reported in the literature in individuals with PRKDC-related conditions. Algorithms developed to predict the effect of missense changes on protein structure and function output the following: SIFT: "Deleterious"; PolyPhen-2: "Not Available"; Align-GVGD: "Class C0". The leucine amino acid residue is found in multiple mammalian species, suggesting that this missense change does not adversely affect protein function. These predictions have not been confirmed by published functional studies and their clinical significance is uncertain. This sequence change replaces phenylalanine with leucine at codon 1194 of the PRKDC protein (p.Phe1194Leu). The phenylalanine residue is highly conserved and there is a small physicochemical difference between phenylalanine and leucine. This variant is not present in population databases (ExAC no frequency).

NM_006904.7(PRKDC):c.3582C>G (p.Phe1194Leu)

Gene: PRKDC (protein kinase, DNA-activated, catalytic subunit; minus strand). Cytogenetic location: 8q11.21.
Variant type: single nucleotide variant.
Coding change: c.3582C>G on transcript NM_006904.7 (MANE Select); coding-DNA position 3582, C replaced by G.
Protein change: p.Phe1194Leu; replaces phenylalanine 1194 with leucine.
Molecular consequence: missense variant.
Genome position (GRCh38, 1-based): chr8:47,897,177, G>C on the plus strand (C>G on the coding strand, the complement: PRKDC is on the minus strand). VCF-style: chr8-47897177-G-C. GRCh37 (hg19) VCF-style: chr8-48809737-G-C.
Other names: c.3582C>G, p.Phe1194Leu (NM_001081640.2); short protein forms F1194L.
Identifiers: ClinVar variation 972280 (VCV000972280.10), dbSNP rs759130959, ClinGen allele CA371153283.
Genomic context (GRCh38, chr8:47,897,177, plus strand): 5'-AATAAAGCACCGTGGTGAAATTAAAGATATACAGATTACCATACCTGGCAATAAAGGAAC[G>C]AATTTATAAAAGAGTTCAATGGATTTGTGTCGACATTCTGTCTGGGGCCTCCCACAATGA-3'
Protein context (NP_008835.5, residues 1184-1204): RHKSIELFYK[Phe1194Leu]VPLLPGNRSP